The following is an entry in ClinVar:

NM_018105.3(THAP1):c.398G>A (p.Cys133Tyr)

Gene: THAP1 (THAP domain containing 1; minus strand). Cytogenetic location: 8p11.21.
Variant type: single nucleotide variant.
Coding change: c.398G>A on transcript NM_018105.3 (MANE Select); coding-DNA position 398, G replaced by A.
Protein change: p.Cys133Tyr; replaces cysteine 133 with tyrosine.
Molecular consequence: missense variant. On other transcripts: 3 prime UTR variant (1).
Genome position (GRCh38, 1-based): chr8:42,838,206, C>T on the plus strand (G>A on the coding strand, the complement: THAP1 is on the minus strand). VCF-style: chr8-42838206-C-T. GRCh37 (hg19) VCF-style: chr8-42693349-C-T.
Other names: c.*40G>A (NM_199003.2); short protein forms C133Y.
Identifiers: ClinVar variation 2417851 (VCV002417851.6), dbSNP rs2487027072, ClinGen allele CA371107145.

ClinVar aggregate classification (germline): Uncertain significance (1 of 4 stars; one submission).

Conditions:
Torsion dystonia 6 (DYT6). Also called: DYT-THAP1. Identifiers: Orphanet 98806, MedGen C1414216, MONDO:0011264, OMIM 602629.

Submission:

Labcorp Genetics (formerly Invitae), Labcorp
Classification: Uncertain significance for Torsion dystonia 6. Last evaluated: 2025-02-24. Review status: criteria provided, single submitter. Criteria: Invitae Variant Classification Sherloc (09022015). Collection method: clinical testing. Allele origin: germline.
Comment: This sequence change replaces cysteine, which is neutral and slightly polar, with tyrosine, which is neutral and polar, at codon 133 of the THAP1 protein (p.Cys133Tyr). This variant is not present in population databases (gnomAD no frequency). This variant has not been reported in the literature in individuals affected with THAP1-related conditions. ClinVar contains an entry for this variant (Variation ID: 2417851). An algorithm developed to predict the effect of missense changes on protein structure and function (PolyPhen-2) suggests that this variant is likely to be disruptive. In summary, the available evidence is currently insufficient to determine the role of this variant in disease. Therefore, it has been classified as a Variant of Uncertain Significance.